The following is an entry in ClinVar:

ClinVar aggregate classification (germline): Likely benign (1 of 4 stars; one submission).

Allele frequency attached by ClinVar (database versions not stated): ExAC below 0.00001; 1000 Genomes Project 30x 0.00016; TOPMed 0.00018; gnomAD exomes 0.00033; gnomAD 0.00034.
gnomAD v4.1: 420 of 1,281,188 alleles (0.033%); highest among the groups gnomAD compares: South Asian, 0.049%; no homozygotes.

Submission:

GeneDx
Classification: Likely benign. Last evaluated: 2016-06-25. Review status: criteria provided, single submitter. Criteria: GeneDx Variant Classification (06012015). Collection method: clinical testing. Allele origin: germline. Affected: yes.
Comment: This variant is considered likely benign or benign based on one or more of the following criteria: it is a conservative change, it occurs at a poorly conserved position in the protein, it is predicted to be benign by multiple in silico algorithms, and/or has population frequency not consistent with disease.

NM_024537.4(CARS2):c.-23A>G

Genes: CARS2 (cysteinyl-tRNA synthetase 2, mitochondrial; minus strand), LOC130010127 (ATAC-STARR-seq lymphoblastoid silent region 5509; plus strand). Cytogenetic location: 13q34.
Variant type: single nucleotide variant.
Coding change: c.-23A>G on transcript NM_024537.4 (MANE Select); 23 bases upstream of the start codon, A replaced by G.
Molecular consequence: 5 prime UTR variant. On other transcripts: non-coding transcript variant (1), intron variant (1).
Genome position (GRCh38, 1-based): chr13:110,706,116, T>C on the plus strand (A>G on the coding strand, the complement: CARS2 is on the minus strand). VCF-style: chr13-110706116-T-C. GRCh37 (hg19) VCF-style: chr13-111358463-T-C.
Other names: c.-23A>G (NM_001352253.3); c.-776+255A>G (NM_001352252.2).
Identifiers: ClinVar variation 387061 (VCV000387061.1), dbSNP rs759382519, ClinGen allele CA7052410.
Genomic context (GRCh38, chr13:110,706,116, plus strand): 5'-GGGGGGCCCAGGCCTGGGCCGCGCGTAGTCCTCAACATGTCAGCGGCCAGCGCCTACGAC[T>C]GGGCGGAGACGGGAGCCACGCCGGGTACGCTGCCGGTCGCTCAAGAGCAGCACGGCCCCG-3'